The following is an entry in ClinVar:

NM_020791.4(TAOK1):c.619G>A (p.Asp207Asn)

Gene: TAOK1 (TAO kinase 1; plus strand). Cytogenetic location: 17q11.2.
Variant type: single nucleotide variant.
Coding change: c.619G>A on transcript NM_020791.4 (MANE Select); coding-DNA position 619, G replaced by A.
Protein change: p.Asp207Asn; replaces aspartic acid 207 with asparagine.
Molecular consequence: missense variant.
Genome position (GRCh38, 1-based): chr17:29,482,252, G>A. VCF-style: chr17-29482252-G-A. GRCh37 (hg19) VCF-style: chr17-27809270-G-A.
Other names: c.619G>A, p.Asp207Asn (NM_025142.1); short protein forms D207N.
Identifiers: ClinVar variation 1701315 (VCV001701315.31), dbSNP rs2153026921, ClinGen allele CA399190927.
Genomic context (GRCh38, chr17:29,482,252, plus strand): 5'-TCTAGGATGGCCCCAGAAGTAATTTTAGCCATGGATGAAGGACAATATGATGGCAAAGTA[G>A]ATGTGTGGTCTCTTGGAATAACATGTATTGAACTAGGTAAGCATTGTTCTTCATTACTAT-3'
Protein context (NP_065842.1, residues 197-217): MDEGQYDGKV[Asp207Asn]VWSLGITCIE

ClinVar aggregate classification (germline): Likely pathogenic (1 of 4 stars; one submission).

Submission:

CeGaT Center for Human Genetics Tuebingen
Classification: Likely pathogenic. Last evaluated: 2022-07-01. Review status: criteria provided, single submitter. Criteria: CeGaT Center For Human Genetics Tuebingen Variant Classification Criteria Version 2. Collection method: clinical testing. Allele origin: germline. Affected: yes. Observed: 1 variant allele.
Comment: TAOK1: PM1, PM2, PS2:Moderate, PP3